The following is an entry in ClinVar:

NM_000038.6(APC):c.4534G>T (p.Asp1512Tyr)

Gene: APC (APC regulator of Wnt signaling pathway; plus strand). Cytogenetic location: 5q22.2.
Variant type: single nucleotide variant.
Coding change: c.4534G>T on transcript NM_000038.6 (MANE Select); coding-DNA position 4534, G replaced by T.
Protein change: p.Asp1512Tyr; replaces aspartic acid 1512 with tyrosine.
Molecular consequence: missense variant.
Genome position (GRCh38, 1-based): chr5:112,840,128, G>T. VCF-style: chr5-112840128-G-T. GRCh37 (hg19) VCF-style: chr5-112175825-G-T.
Other names: c.4534G>T, p.Asp1512Tyr (NM_001127510.3, NM_001354895.2); c.4480G>T, p.Asp1494Tyr (NM_001127511.3); c.4588G>T, p.Asp1530Tyr (NM_001354896.2); c.4564G>T, p.Asp1522Tyr (NM_001354897.2); c.4459G>T, p.Asp1487Tyr (NM_001354898.2); c.4450G>T, p.Asp1484Tyr (NM_001354899.2); c.4411G>T, p.Asp1471Tyr (NM_001354900.2); c.4357G>T, p.Asp1453Tyr (NM_001354901.2); and 5 more; short protein forms D1494Y, D1512Y, D1352Y, D1411Y, D1484Y, D1471Y, D1421Y, D1487Y.
Identifiers: ClinVar variation 482409 (VCV000482409.5), dbSNP rs778699501, ClinGen allele CA16031250.

ClinVar aggregate classification (germline): Uncertain significance (1 of 4 stars; one submission).

Conditions:
Hereditary cancer-predisposing syndrome. Also called: Neoplastic Syndromes, Hereditary; Tumor predisposition; Hereditary Cancer Syndrome; Hereditary neoplastic syndrome. Identifiers: Orphanet 140162, MedGen C0027672, MeSH D009386, MONDO:0015356.

Submission:

Ambry Genetics
Classification: Uncertain significance for Hereditary cancer-predisposing syndrome. Last evaluated: 2016-09-20. Review status: criteria provided, single submitter. Criteria: Ambry Variant Classification Scheme 2023. Collection method: clinical testing. Allele origin: germline.
Comment: The p.D1512Y variant (also known as c.4534G>T), located in coding exon 15 of the APC gene, results from a G to T substitution at nucleotide position 4534. The aspartic acid at codon 1512 is replaced by tyrosine, an amino acid with highly dissimilar properties. This variant was not reported in population based cohorts in the following databases: Database of Single Nucleotide Polymorphisms (dbSNP), NHLBI Exome Sequencing Project (ESP), and 1000 Genomes Project. In the ESP, this variant was not observed in 6502 samples (13004 alleles) with coverage at this position. To date, this alteration has been detected with an allele frequency of approximately 0.001% (greater than 90000 alleles tested) in our clinical cohort. This amino acid position is highly conserved in available vertebrate species. In addition, in silico predictors for this gene do not accurately predict pathogenicity. Since supporting evidence is limited at this time, the clinical significance of this alteration remains unclear.